The following is an entry in ClinVar:

NM_005476.7(GNE):c.787C>T (p.Arg263Ter)

Gene: GNE (glucosamine (UDP-N-acetyl)-2-epimerase/N-acetylmannosamine kinase; minus strand). Cytogenetic location: 9p13.3.
Variant type: single nucleotide variant.
Coding change: c.787C>T on transcript NM_005476.7 (MANE Select); coding-DNA position 787, C replaced by T.
Protein change: p.Arg263Ter; replaces arginine 263 with a stop codon.
Molecular consequence: nonsense.
Genome position (GRCh38, 1-based): chr9:36,234,115, G>A on the plus strand (C>T on the coding strand, the complement: GNE is on the minus strand). VCF-style: chr9-36234115-G-A. GRCh37 (hg19) VCF-style: chr9-36234112-G-A.
Other names: c.880C>T, p.Arg294Ter (NM_001128227.3); c.787C>T, p.Arg263Ter (NM_001190383.3); c.457C>T, p.Arg153Ter (NM_001190384.3); c.610C>T, p.Arg204Ter (NM_001190388.2, NM_001374798.1); c.634C>T, p.Arg212Ter (NM_001374797.1); short protein forms R153*, R263*, R204*, R212*, R294*.
Identifiers: ClinVar variation 966732 (VCV000966732.14), dbSNP rs200643106, ClinGen allele CA5056654.

ClinVar aggregate classification (germline): Pathogenic. Review status: criteria provided, multiple submitters, no conflicts (2 of 4 stars). 3 submissions from 3 submitters: Pathogenic (3). Last evaluated 2025-09-23.

Conditions:
GNE myopathy (NM). Also called: IBM 2; Inclusion body myopathy autosomal recessive; Inclusion body myopathy quadriceps sparing; NONAKA DISTAL MYOPATHY; INCLUSION BODY MYOPATHY, HEREDITARY, AUTOSOMAL RECESSIVE; INCLUSION BODY MYOPATHY 2, AUTOSOMAL RECESSIVE. Identifiers: Orphanet 602, MedGen C1853926, MONDO:0011603, OMIM 605820.
Sialuria. Also called: Sialic Acid Storage Disease; SIALURIA, FRENCH TYPE. Identifiers: Orphanet 3166, MedGen C0342853, MONDO:0010028, OMIM 269921.

Allele frequency attached by ClinVar (database versions not stated): gnomAD exomes below 0.00001; ExAC 0.00001.

Submissions (3):

Labcorp Genetics (formerly Invitae), Labcorp
Classification: Pathogenic for Sialuria; GNE myopathy. Last evaluated: 2025-09-23. Review status: criteria provided, single submitter. Criteria: Invitae Variant Classification Sherloc (09022015). Collection method: clinical testing. Allele origin: germline.
Comment: This sequence change creates a premature translational stop signal (p.Arg294*) in the GNE gene. It is expected to result in an absent or disrupted protein product. Loss-of-function variants in GNE are known to be pathogenic (PMID: 24027297). This variant is present in population databases (rs200643106, gnomAD 0.003%). This premature translational stop signal has been observed in individual(s) with clinical features of myopathy (PMID: 25986339). This variant is also known as c.787C>T (p.Arg263*). ClinVar contains an entry for this variant (Variation ID: 966732). For these reasons, this variant has been classified as Pathogenic.

Natera, Inc.
Classification: Pathogenic for Nonaka myopathy. Last evaluated: 2025-07-10. Review status: criteria provided, single submitter. Criteria: Natera Variant Classification Schema (03/2026). Collection method: clinical testing. Allele origin: germline.
Comment: The c.880C>T variant in GNE is a nonsense variant predicted to introduce a stop codon at amino acid 294. This variant is expected to result in nonsense mediated decay, truncation, or a dysfunctional protein product. This variant is rare in the general population with a frequency below the threshold expected for the associated phenotype(s). This variant has been observed in one or more individuals affected with the associated recessive disease, as either homozygous or compound heterozygous with a second variant (PMID: 25986339). Given the available evidence, this variant is classified as Pathogenic.

Revvity Omics, Revvity
Classification: Pathogenic. Last evaluated: 2022-06-23. Review status: criteria provided, single submitter. Criteria: ACMG Guidelines, 2015. Collection method: clinical testing. Allele origin: germline.

Literature cited by the submitters: PubMed 24027297 (cited by Labcorp Genetics (formerly Invitae), Labcorp); PubMed 25986339 (cited by Labcorp Genetics (formerly Invitae), Labcorp and Natera, Inc.).